The following is an entry in ClinVar:

ClinVar aggregate classification (germline): Uncertain significance. Review status: criteria provided, multiple submitters, no conflicts (2 of 4 stars). 2 submissions from 2 submitters: Uncertain significance (2). Last evaluated 2025-07-06.

Conditions:
Seizures, benign familial infantile, 3 (BFIS3). Also called: Familial neonatal seizures; CONVULSIONS, BENIGN FAMILIAL INFANTILE, 3. Identifiers: Orphanet 140927, Orphanet 306, MedGen C1843140, MONDO:0011904, OMIM 607745.
Developmental and epileptic encephalopathy, 11 (DEE11). Also called: Early infantile epileptic encephalopathy 11. Identifiers: Orphanet 1934, MedGen C3150987, MONDO:0013388, OMIM 613721.

Allele frequency attached by ClinVar (database versions not stated): gnomAD exomes below 0.00001; TOPMed below 0.00001; gnomAD 0.00001.
gnomAD v4.1: 24 of 1,614,024 alleles (0.0015%); highest among the groups gnomAD compares: Non-Finnish European, 0.002%; no homozygotes.

Submissions (2):

Labcorp Genetics (formerly Invitae), Labcorp
Classification: Uncertain significance for Seizures, benign familial infantile, 3; Developmental and epileptic encephalopathy, 11. Last evaluated: 2025-07-06. Review status: criteria provided, single submitter. Criteria: Invitae Variant Classification Sherloc (09022015). Collection method: clinical testing. Allele origin: germline.
Comment: This sequence change replaces isoleucine, which is neutral and non-polar, with valine, which is neutral and non-polar, at codon 1053 of the SCN2A protein (p.Ile1053Val). This variant is present in population databases (no rsID available, gnomAD 0.0009%). This variant has not been reported in the literature in individuals affected with SCN2A-related conditions. ClinVar contains an entry for this variant (Variation ID: 647589). Invitae Evidence Modeling of protein sequence and biophysical properties (such as structural, functional, and spatial information, amino acid conservation, physicochemical variation, residue mobility, and thermodynamic stability) indicates that this missense variant is not expected to disrupt SCN2A protein function with a negative predictive value of 95%. In summary, the available evidence is currently insufficient to determine the role of this variant in disease. Therefore, it has been classified as a Variant of Uncertain Significance.

GeneDx
Classification: Uncertain significance. Last evaluated: 2022-08-03. Review status: criteria provided, single submitter. Criteria: GeneDx Variant Classification Process June 2021. Collection method: clinical testing. Allele origin: germline. Affected: yes.
Comment: Not observed at significant frequency in large population cohorts (gnomAD); Missense variants in this gene are often considered pathogenic (HGMD); In silico analysis supports that this missense variant does not alter protein structure/function; Has not been previously published as pathogenic or benign to our knowledge; This substitution is predicted to be in the cytoplasmic loop between the second and third homologous domains

NM_001040142.2(SCN2A):c.3157A>G (p.Ile1053Val)

Gene: SCN2A (sodium voltage-gated channel alpha subunit 2; plus strand). Cytogenetic location: 2q24.3.
Variant type: single nucleotide variant.
Coding change: c.3157A>G on transcript NM_001040142.2 (MANE Select); coding-DNA position 3157, A replaced by G.
Protein change: p.Ile1053Val; replaces isoleucine 1053 with valine.
Molecular consequence: missense variant.
Genome position (GRCh38, 1-based): chr2:165,354,429, A>G. VCF-style: chr2-165354429-A-G. GRCh37 (hg19) VCF-style: chr2-166210939-A-G.
Other names: c.3157A>G, p.Ile1053Val (NM_001040143.2, NM_001371246.1, NM_001371247.1 and 1 more transcripts); short protein forms I1053V.
Identifiers: ClinVar variation 647589 (VCV000647589.9), dbSNP rs1054419020, ClinGen allele CA59724924.
Genomic context (GRCh38, chr2:165,354,429, plus strand): 5'-CAGAAAGCTTTAGATGAAATTAAACCGCTTGAAGATCTAAATAATAAAAAAGACAGCTGT[A>G]TTTCCAACCATACCACCATAGAAATAGGCAAAGACCTCAATTATCTCAAAGACGGAAATG-3'
Protein context (NP_001035232.1, residues 1043-1063): EDLNNKKDSC[Ile1053Val]SNHTTIEIGK